The following is an entry in ClinVar:

NM_012418.4(FSCN2):c.1188C>A (p.His396Gln)

Gene: FSCN2 (fascin actin-bundling protein 2, retinal; plus strand). Cytogenetic location: 17q25.3.
Variant type: single nucleotide variant.
Coding change: c.1188C>A on transcript NM_012418.4 (MANE Select); coding-DNA position 1188, C replaced by A.
Protein change: p.His396Gln; replaces histidine 396 with glutamine.
Molecular consequence: missense variant.
Genome position (GRCh38, 1-based): chr17:81,536,704, C>A. VCF-style: chr17-81536704-C-A. GRCh37 (hg19) VCF-style: chr17-79503730-C-A.
Other names: c.1260C>A, p.His420Gln (NM_001077182.3); short protein forms H420Q, H396Q.
Identifiers: ClinVar variation 955356 (VCV000955356.7), dbSNP rs370208434, ClinGen allele CA8837030.
Genomic context (GRCh38, chr17:81,536,704, plus strand): 5'-CAAGCTCATCAACCGGCCCATCCTGGTGCTGCGCGGCCTGGACGGCTTCGTCTGCCACCA[C>A]CGCGGCTCCAACCAGCTGGACACCAACCGCTCCGTCTACGACGTCTTCCACCTGAGCTTC-3'
Protein context (NP_036550.1, residues 386-406): LRGLDGFVCH[His396Gln]RGSNQLDTNR

ClinVar aggregate classification (germline): Uncertain significance. Review status: criteria provided, multiple submitters, no conflicts (2 of 4 stars). 2 submissions from 2 submitters: Uncertain significance (2). Last evaluated 2026-01-12.

Allele frequency attached by ClinVar (database versions not stated): gnomAD exomes 0.00008 and 0.00028; ExAC 0.00011; TOPMed 0.00012; gnomAD 0.00016; ESP Exome Variant Server 0.00024.
gnomAD v4.1: 423 of 1,611,312 alleles (0.026%); highest among the groups gnomAD compares: Non-Finnish European, 0.035%; no homozygotes.

Submissions (2):

Labcorp Genetics (formerly Invitae), Labcorp
Classification: Uncertain significance. Last evaluated: 2026-01-12. Review status: criteria provided, single submitter. Criteria: Invitae Variant Classification Sherloc (09022015). Collection method: clinical testing. Allele origin: germline.
Comment: This sequence change replaces histidine, which is basic and polar, with glutamine, which is neutral and polar, at codon 420 of the FSCN2 protein (p.His420Gln). This variant is present in population databases (rs370208434, gnomAD 0.02%). This variant has not been reported in the literature in individuals affected with FSCN2-related conditions. ClinVar contains an entry for this variant (Variation ID: 955356). An algorithm developed to predict the effect of missense changes on protein structure and function (PolyPhen-2) suggests that this variant is likely to be tolerated. In summary, the available evidence is currently insufficient to determine the role of this variant in disease. Therefore, it has been classified as a Variant of Uncertain Significance.

Ambry Genetics
Classification: Uncertain significance. Last evaluated: 2025-07-02. Review status: criteria provided, single submitter. Criteria: Ambry Variant Classification Scheme 2023. Collection method: clinical testing. Allele origin: germline.